The following is an entry in ClinVar:

NC_000017.10:g.(?_59924462)_(59926617_?)dup

Gene: BRIP1 (BRCA1 interacting DNA helicase 1; minus strand). Cytogenetic location: 17q23.2.
Variant type: Duplication.
Identifiers: ClinVar variation 417417 (VCV000417417.2).

ClinVar aggregate classification (germline): Likely pathogenic (1 of 4 stars; one submission).

Conditions:
Fanconi anemia complementation group J. Also called: BRIP1-Related Fanconi Anemia. Identifiers: Orphanet 84, MedGen C1836860, MONDO:0012187, OMIM 609054.
Familial cancer of breast. Also called: Hereditary breast cancer; BREAST CANCER, FAMILIAL; hereditary breast carcinoma. Identifiers: Orphanet 227535, MedGen C0346153, MONDO:0016419, OMIM 114480. Disease mechanism: loss of function.

Submission:

Labcorp Genetics (formerly Invitae), Labcorp
Classification: Likely pathogenic for Familial cancer of breast; Fanconi anemia complementation group J. Last evaluated: 2016-09-07. Review status: criteria provided, single submitter. Criteria: Invitae Variant Classification Sherloc (09022015). Collection method: clinical testing. Allele origin: germline.
Comment: This variant is a gross duplication of the genomic region encompassing exons 5-6 of the BRIP1 gene. While the exact position of the duplicated exons cannot be determined from this data, the duplicated copy of this region is likely in tandem and may result in an absent or disrupted protein product. This particular duplication has not been reported in the literature in individuals with a BRIP1-related disease. In summary, sub-genic duplications are generally in tandem (PMID: 25640679), and result in an absent or disrupted protein. However, the exact location of this duplication has not been confirmed. Therefore, it has been classified as Likely Pathogenic.